The following is an entry in ClinVar:

NM_015295.3(SMCHD1):c.2925T>A (p.Ala975=)

Gene: SMCHD1 (structural maintenance of chromosomes flexible hinge domain containing 1; plus strand). Cytogenetic location: 18p11.32.
Variant type: single nucleotide variant.
Coding change: c.2925T>A on transcript NM_015295.3 (MANE Select); coding-DNA position 2925, T replaced by A.
Protein change: p.Ala975=; no amino-acid change (alanine 975 retained).
Molecular consequence: synonymous variant.
Genome position (GRCh38, 1-based): chr18:2,729,286, T>A. VCF-style: chr18-2729286-T-A. GRCh37 (hg19) VCF-style: chr18-2729284-T-A.
Identifiers: ClinVar variation 1619789 (VCV001619789.33), dbSNP rs763236583, ClinGen allele CA8871101.
Genomic context (GRCh38, chr18:2,729,286, plus strand): 5'-TCAAATATATTTAATAGGGGTCTTACATTATTTTTCATCTTTCAAATAGTTTTCAGGTGC[T>A]CCAAACCTTCCAGTCTATGTTGTAGATTGCAGTAGTTCTGGAACCAGTATTTTAACAGGA-3'
Protein context (NP_056110.2, residues 965-985): KLIVHCKFSG[Ala975=]PNLPVYVVDC

ClinVar aggregate classification (germline): Likely benign. Review status: criteria provided, multiple submitters, no conflicts (2 of 4 stars). 3 submissions from 3 submitters: Likely benign (3). Last evaluated 2025-08-18.

Conditions:
Facioscapulohumeral muscular dystrophy 2 (FSHD2). Also called: FACIOSCAPULOHUMERAL MUSCULAR DYSTROPHY 2, DIGENIC; FSHD2, DIGENIC; MUSCULAR DYSTROPHY, FACIOSCAPULOHUMERAL, TYPE 1B. Identifiers: Orphanet 269, MedGen C1834671, MONDO:0008031, OMIM 158901.

Allele frequency attached by ClinVar (database versions not stated): gnomAD 0.00010.
gnomAD v4.1: 84 of 1,497,092 alleles (0.0056%); highest among the groups gnomAD compares: Admixed American, 0.039%; 1 homozygote.

Submissions (3):

Labcorp Genetics (formerly Invitae), Labcorp
Classification: Likely benign for Facioscapulohumeral muscular dystrophy 2. Last evaluated: 2025-08-18. Review status: criteria provided, single submitter. Criteria: Invitae Variant Classification Sherloc (09022015). Collection method: clinical testing. Allele origin: germline.

Blueprint Genetics
Classification: Likely benign. Last evaluated: 2024-09-24. Review status: criteria provided, single submitter. Criteria: ACMG Guidelines, 2015. Collection method: clinical testing. Allele origin: germline.

CeGaT Center for Human Genetics Tuebingen
Classification: Likely benign. Last evaluated: 2023-03-01. Review status: criteria provided, single submitter. Criteria: CeGaT Center For Human Genetics Tuebingen Variant Classification Criteria Version 2. Collection method: clinical testing. Allele origin: germline. Affected: yes. Observed: 1 variant allele.
Comment: SMCHD1: BP4, BP7